The following is an entry in ClinVar:

ClinVar aggregate classification (germline): Likely pathogenic (1 of 4 stars; one submission).

Conditions:
Citrullinemia type I (CTNL1). Also called: ASS DEFICIENCY; argininosuccinate synthetase deficiency. Identifiers: Orphanet 247525, MedGen C4721769, MONDO:0008988, OMIM 215700.

Submission:

Myriad Genetics, Inc.
Classification: Likely pathogenic for Citrullinemia type I. Last evaluated: 2022-03-29. Review status: criteria provided, single submitter. Criteria: Myriad Women's Health Autosomal Recessive and X-Linked Classification Criteria (2021). Collection method: clinical testing. Allele origin: unknown.
Comment: NM_000050.4(ASS1):c.620_622delACAinsT(Y207Ffs*14) is expected to be pathogenic in the context of citrullinemia type 1. This variant is predicted to lead to an abnormal or absent protein product due to the creation of a premature termination codon in ASS1, a gene where loss-of-function variants are known to be pathogenic. Please note: this variant was assessed in the context of healthy population screening.

NM_054012.4(ASS1):c.620_622delinsT (p.Tyr207fs)

Gene: ASS1 (argininosuccinate synthase 1; plus strand). Cytogenetic location: 9q34.11.
Variant type: Indel.
Coding change: c.620_622delinsT on transcript NM_054012.4 (MANE Select); coding-DNA positions 620 to 622, ACA replaced by T.
Protein change: p.Tyr207fs; shifts the reading frame from tyrosine 207.
Molecular consequence: frameshift variant.
Genome position (GRCh38, 1-based): chr9:130,476,893-130,476,895, ACA replaced by T. VCF-style: chr9-130476893-ACA-T. GRCh37 (hg19) VCF-style: chr9-133352280-ACA-T.
Other names: c.620_622delinsT, p.Tyr207fs (NM_000050.4); short protein forms Y207fs.
Identifiers: ClinVar variation 1725488 (VCV001725488.2), dbSNP rs2490581929, ClinGen allele CA2580079810.